The following is an entry in ClinVar:

NM_021971.4(GMPPB):c.1040A>G (p.Lys347Arg)

Gene: GMPPB (GDP-mannose pyrophosphorylase B; minus strand). Cytogenetic location: 3p21.31.
Variant type: single nucleotide variant.
Coding change: c.1040A>G on transcript NM_021971.4 (MANE Select); coding-DNA position 1040, A replaced by G.
Protein change: p.Lys347Arg; replaces lysine 347 with arginine.
Molecular consequence: missense variant.
Genome position (GRCh38, 1-based): chr3:49,721,795, T>C on the plus strand (A>G on the coding strand, the complement: GMPPB is on the minus strand). VCF-style: chr3-49721795-T-C. GRCh37 (hg19) VCF-style: chr3-49759228-T-C.
Other names: c.1121A>G, p.Lys374Arg (NM_013334.4); short protein forms K347R, K374R.
Identifiers: ClinVar variation 847720 (VCV000847720.4), dbSNP rs776117691, ClinGen allele CA352825987.

ClinVar aggregate classification (germline): Uncertain significance (1 of 4 stars; one submission).

Conditions:
Muscular dystrophy-dystroglycanopathy (congenital with brain and eye anomalies), type A14. Also called: Congenital muscular dystrophy-dystroglycanopathy with brain and eye anomalies, type A14; WALKER-WARBURG SYNDROME OR MUSCLE-EYE-BRAIN DISEASE, GMPPB-RELATED; Muscular dystrophy-dystroglycanopathy (congenital with brain and eye anomalies), type a, 14; Congenital Muscular Dystrophy-Dystroglycanopathy with Brain and Eye Anomalies Type A 14. Identifiers: Orphanet 588, MedGen C3809216, MONDO:0014140, OMIM 615350.
Muscular dystrophy-dystroglycanopathy (congenital with impaired intellectual development), type B, 14. Also called: Congenital muscular dystrophy-dystroglycanopathy with mental retardation, type B14; MUSCULAR DYSTROPHY, CONGENITAL, GMPPB-RELATED; Muscular dystrophy-dystroglycanopathy (congenital with intellectual disability), type B14. Identifiers: MedGen C3809221, MONDO:0014141, OMIM 615351.
Autosomal recessive limb-girdle muscular dystrophy type 2T. Also called: Limb-girdle muscular dystrophy-dystroglycanopathy, type C14; MUSCULAR DYSTROPHY-DYSTROGLYCANOPATHY, LIMB-GIRDLE, GMPPB-RELATED; MUSCULAR DYSTROPHY, LIMB-GIRDLE, TYPE 2T; Muscular dystrophy-dystroglycanopathy (limb-girdle), type c, 14. Identifiers: Orphanet 363623, MedGen C4518000, MONDO:0014142, OMIM 615352.

Allele frequency attached by ClinVar (database versions not stated): gnomAD exomes 0.00001.
gnomAD v4.1: 17 of 1,611,792 alleles (0.0011%); highest among the groups gnomAD compares: Non-Finnish European, 0.0014%; no homozygotes.

Submission:

Labcorp Genetics (formerly Invitae), Labcorp
Classification: Uncertain significance for Autosomal recessive limb-girdle muscular dystrophy type 2T; Muscular dystrophy-dystroglycanopathy (congenital with brain and eye anomalies), type A14; Muscular dystrophy-dystroglycanopathy (congenital with impaired intellectual development), type B, 14. Last evaluated: 2022-09-27. Review status: criteria provided, single submitter. Criteria: Invitae Variant Classification Sherloc (09022015). Collection method: clinical testing. Allele origin: germline.
Comment: This sequence change replaces lysine, which is basic and polar, with arginine, which is basic and polar, at codon 347 of the GMPPB protein (p.Lys347Arg). This variant is not present in population databases (gnomAD no frequency). This variant has not been reported in the literature in individuals affected with GMPPB-related conditions. ClinVar contains an entry for this variant (Variation ID: 847720). Algorithms developed to predict the effect of missense changes on protein structure and function are either unavailable or do not agree on the potential impact of this missense change (SIFT: "Deleterious"; PolyPhen-2: "Probably Damaging"; Align-GVGD: "Class C0"). Algorithms developed to predict the effect of sequence changes on RNA splicing suggest that this variant may create or strengthen a splice site. In summary, the available evidence is currently insufficient to determine the role of this variant in disease. Therefore, it has been classified as a Variant of Uncertain Significance.